The following is an entry in ClinVar:

NM_003680.4(YARS1):c.233C>G (p.Ala78Gly)

Gene: YARS1 (tyrosyl-tRNA synthetase 1; minus strand). Cytogenetic location: 1p35.1.
Variant type: single nucleotide variant.
Coding change: c.233C>G on transcript NM_003680.4 (MANE Select); coding-DNA position 233, C replaced by G.
Protein change: p.Ala78Gly; replaces alanine 78 with glycine.
Molecular consequence: missense variant.
Genome position (GRCh38, 1-based): chr1:32,810,738, G>C on the plus strand (C>G on the coding strand, the complement: YARS1 is on the minus strand). VCF-style: chr1-32810738-G-C. GRCh37 (hg19) VCF-style: chr1-33276339-G-C.
Other names: short protein forms A78G.
Identifiers: ClinVar variation 2963990 (VCV002963990.4), dbSNP rs1408480197, ClinGen allele CA339687322.

ClinVar aggregate classification (germline): Uncertain significance. Review status: criteria provided, multiple submitters, no conflicts (2 of 4 stars). 2 submissions from 2 submitters: Uncertain significance (2). Last evaluated 2026-05-29.

Conditions:
Charcot-Marie-Tooth disease dominant intermediate C (CMTDIC). Also called: CHARCOT-MARIE-TOOTH NEUROPATHY, DOMINANT INTERMEDIATE C. Identifiers: Orphanet 100045, MedGen C1842237, MONDO:0012012, OMIM 608323.
YARS1-related disorder. Also called: YARS1-related condition.

Allele frequency attached by ClinVar (database versions not stated): gnomAD 0.00002; TOPMed 0.00002.
gnomAD v4.1: 5 of 1,614,046 alleles (0.00031%); highest among the groups gnomAD compares: Middle Eastern, 0.016%; no homozygotes.

Submissions (2):

PreventionGenetics, part of Exact Sciences
Classification: Uncertain significance for YARS1-related condition. Last evaluated: 2026-05-29. Review status: criteria provided, single submitter. Criteria: ACMG Guidelines, 2015. Collection method: clinical testing. Allele origin: germline.
Comment: The YARS1 c.233C>G variant is predicted to result in the amino acid substitution p.Ala78Gly. To our knowledge, this variant has not been reported in the literature. This variant is reported in 0.011% of alleles in individuals of African descent in gnomAD. At this time, the clinical significance of this variant is uncertain due to the absence of conclusive functional and genetic evidence.

Labcorp Genetics (formerly Invitae), Labcorp
Classification: Uncertain significance for Charcot-Marie-Tooth disease dominant intermediate C. Last evaluated: 2023-04-28. Review status: criteria provided, single submitter. Criteria: Invitae Variant Classification Sherloc (09022015). Collection method: clinical testing. Allele origin: germline.
Comment: Advanced modeling of protein sequence and biophysical properties (such as structural, functional, and spatial information, amino acid conservation, physicochemical variation, residue mobility, and thermodynamic stability) performed at Invitae indicates that this missense variant is not expected to disrupt YARS protein function. In summary, the available evidence is currently insufficient to determine the role of this variant in disease. Therefore, it has been classified as a Variant of Uncertain Significance. This variant has not been reported in the literature in individuals affected with YARS-related conditions. This variant is present in population databases (no rsID available, gnomAD 0.01%). This sequence change replaces alanine, which is neutral and non-polar, with glycine, which is neutral and non-polar, at codon 78 of the YARS protein (p.Ala78Gly).